The following is an entry in ClinVar:

ClinVar aggregate classification (germline): Conflicting classifications of pathogenicity. Review status: criteria provided, conflicting classifications (1 of 4 stars). 6 submissions from 6 submitters: Uncertain significance (3); Likely benign (3). Last evaluated 2026-10-15.

Conditions:
Autosomal dominant optic atrophy classic form (OPA1). Also called: Optic Atrophy Type 1; KJER-TYPE OPTIC ATROPHY; OPTIC ATROPHY, JUVENILE. Identifiers: Orphanet 98673, MedGen C0338508, MONDO:0008134, OMIM 165500.
Glaucoma, normal tension, susceptibility to (NTG). Also called: GLAUCOMA, NORMAL PRESSURE, SUSCEPTIBILITY TO. Identifiers: MedGen C1847730, MONDO:0011693, OMIM 606657.
Optic atrophy with or without deafness, ophthalmoplegia, myopathy, ataxia, and neuropathy. Also called: OPTIC ATROPHY PLUS SYNDROME. Identifiers: MedGen C3276549, MONDO:0007429, OMIM 125250.
Abortive cerebellar ataxia (BEHRS). Also called: OPTIC ATROPHY, INFANTILE HEREDITARY, WITH NEUROLOGIC ABNORMALITIES; Behr syndrome. Identifiers: Orphanet 1239, MedGen C0221061, MONDO:0008858, OMIM 210000.
Mitochondrial DNA depletion syndrome 14B (cardioencephalomyopathic type). Also called: Mitochondrial DNA depletion syndrome 14 (cardioencephalomyopathic type); Mitochondrial DNA depletion syndrome 14 (encephalocardiomyopathic type). Identifiers: MedGen C6065890, MONDO:0014820, OMIM 616896.
OPA1-related disorder. Also called: OPA1-related condition; OPA1-related disorders.

Allele frequency attached by ClinVar (database versions not stated): gnomAD 0.00022; ESP Exome Variant Server 0.00023; gnomAD exomes 0.00027 and 0.00010; TOPMed 0.00015; ExAC 0.00007.
gnomAD v4.1: 440 of 1,613,616 alleles (0.027%); highest among the groups gnomAD compares: Non-Finnish European, 0.034%; no homozygotes.

Submissions (8):

GeneDx
Classification: Uncertain significance. Last evaluated: 2026-10-15. Review status: criteria provided, single submitter. Criteria: GeneDx Variant Classification Process June 2021. Collection method: clinical testing. Allele origin: germline.
Comment: In silico analysis supports that this missense variant has a deleterious effect on protein structure/function; Has not been previously published as pathogenic or benign to our knowledge

PreventionGenetics, part of Exact Sciences
Classification: Uncertain significance for OPA1-related condition. Last evaluated: 2026-06-30. Review status: criteria provided, single submitter. Criteria: ACMG Guidelines, 2015. Collection method: clinical testing. Allele origin: germline.
Comment: The OPA1 c.653C>T variant is predicted to result in the amino acid substitution p.Ser218Phe. To our knowledge, this variant has not been reported in the literature. This variant is reported in 0.022% of alleles in individuals of European (non-Finnish) descent in gnomAD, which may be too common to be an unreported cause of disease. Although we suspect that this variant may be benign, at this time, the clinical significance of this variant is uncertain due to the absence of conclusive functional and genetic evidence.

Labcorp Genetics (formerly Invitae), Labcorp
Classification: Likely benign. Last evaluated: 2026-01-27. Review status: criteria provided, single submitter. Criteria: Invitae Variant Classification Sherloc (09022015). Collection method: clinical testing. Allele origin: germline.

Blueprint Genetics
Classification: Likely benign. Last evaluated: 2024-06-14. Review status: criteria provided, single submitter. Criteria: ACMG Guidelines, 2015. Collection method: clinical testing. Allele origin: germline.

Fulgent Genetics
Classification: Uncertain significance for Optic atrophy with or without deafness, ophthalmoplegia, myopathy, ataxia, and neuropathy; Autosomal dominant optic atrophy classic form; Abortive cerebellar ataxia; Glaucoma, normal tension, susceptibility to; Mitochondrial DNA depletion syndrome 14B (cardioencephalomyopathic type). Last evaluated: 2018-10-31. Review status: criteria provided, single submitter. Criteria: ACMG Guidelines, 2015. Collection method: clinical testing. Allele origin: unknown.

Illumina Laboratory Services, Illumina
Classification: Likely benign for Autosomal dominant optic atrophy classic form. Last evaluated: 2018-01-12. Review status: criteria provided, single submitter. Criteria: ICSL Variant Classification Criteria 13 December 2019. Collection method: clinical testing. Allele origin: germline.
Comment: This variant was observed in the ICSL laboratory as part of a predisposition screen in an ostensibly healthy population. It had not been previously curated by ICSL or reported in the Human Gene Mutation Database (HGMD: prior to June 1st, 2018), and was therefore a candidate for classification through an automated scoring system. Utilizing variant allele frequency, disease prevalence and penetrance estimates, and inheritance mode, an automated score was calculated to assess if this variant is too frequent to cause the disease. Based on the score and internal cut-off values, a variant classified as likely benign is not then subjected to further curation. The score for this variant resulted in a classification of likely benign for this disease.

Dr. Peter K. Rogan Lab, Western University
No classification provided (evidence only). Condition: Lung cancer. Review status: no classification provided. Collection method: in vitro. Allele origin: not applicable. Functional consequence: retained intron. Not counted in ClinVar's aggregate classification.

Dr. Peter K. Rogan Lab, Western University
No classification provided (evidence only). Condition: Melanoma. Review status: no classification provided. Collection method: in vitro. Allele origin: not applicable. Functional consequence: retained intron. Not counted in ClinVar's aggregate classification.

NM_130837.3(OPA1):c.653C>T (p.Ser218Phe)

Genes: OPA1 (OPA1 mitochondrial dynamin like GTPase; plus strand), OPA1-AS1 (OPA1 antisense RNA 1; minus strand). Cytogenetic location: 3q29.
Variant type: single nucleotide variant.
Coding change: c.653C>T on transcript NM_130837.3 (MANE Select); coding-DNA position 653, C replaced by T.
Protein change: p.Ser218Phe; replaces serine 218 with phenylalanine.
Molecular consequence: missense variant.
Genome position (GRCh38, 1-based): chr3:193,618,911, C>T. VCF-style: chr3-193618911-C-T. GRCh37 (hg19) VCF-style: chr3-193336700-C-T.
Other names: c.119C>T, p.Ser40Phe (NM_001354663.2); c.227C>T, p.Ser76Phe (NM_001354664.2); c.599C>T, p.Ser200Phe (NM_015560.3, NM_130836.3); c.491C>T, p.Ser164Phe (NM_130831.3, NM_130833.3); c.545C>T, p.Ser182Phe (NM_130832.3, NM_130835.3); c.653C>T, p.Ser218Phe (NM_130834.3); c.653C>T (NM_130837.2); short protein forms S200F, S218F, S182F, S76F, S164F, S40F.
Identifiers: ClinVar variation 344482 (VCV000344482.22), dbSNP rs200243596, ClinGen allele CA2759090.